The following is an entry in ClinVar:

ClinVar aggregate classification (germline): Uncertain significance (1 of 4 stars; one submission).

Conditions:
Primary ciliary dyskinesia. Also called: Ciliary dyskinesia. Identifiers: Orphanet 244, MedGen C0008780, MONDO:0016575, HP:0012265.

gnomAD v4.1: 1 of 1,612,622 alleles (0.000062%); highest among the groups gnomAD compares: Non-Finnish European, 0.000085%; no homozygotes.

Submission:

Labcorp Genetics (formerly Invitae), Labcorp
Classification: Uncertain significance for Primary ciliary dyskinesia. Last evaluated: 2021-09-01. Review status: criteria provided, single submitter. Criteria: Invitae Variant Classification Sherloc (09022015). Collection method: clinical testing. Allele origin: germline.
Comment: This sequence change replaces glutamic acid with glycine at codon 2497 of the DNAH11 protein (p.Glu2497Gly). The glutamic acid residue is moderately conserved and there is a moderate physicochemical difference between glutamic acid and glycine. This variant is not present in population databases (ExAC no frequency). This variant has not been reported in the literature in individuals affected with DNAH11-related conditions. Advanced modeling of protein sequence and biophysical properties (such as structural, functional, and spatial information, amino acid conservation, physicochemical variation, residue mobility, and thermodynamic stability) performed at Invitae indicates that this missense variant is not expected to disrupt DNAH11 protein function. In summary, the available evidence is currently insufficient to determine the role of this variant in disease. Therefore, it has been classified as a Variant of Uncertain Significance.

NM_001277115.2(DNAH11):c.7490A>G (p.Glu2497Gly)

Gene: DNAH11 (dynein axonemal heavy chain 11; plus strand). Cytogenetic location: 7p15.3.
Variant type: single nucleotide variant.
Coding change: c.7490A>G on transcript NM_001277115.2 (MANE Select); coding-DNA position 7490, A replaced by G.
Protein change: p.Glu2497Gly; replaces glutamic acid 2497 with glycine.
Molecular consequence: missense variant.
Genome position (GRCh38, 1-based): chr7:21,735,689, A>G. VCF-style: chr7-21735689-A-G. GRCh37 (hg19) VCF-style: chr7-21775307-A-G.
Other names: short protein forms E2497G.
Identifiers: ClinVar variation 1492050 (VCV001492050.5), dbSNP rs2128489072, ClinGen allele CA366948370.
Genomic context (GRCh38, chr7:21,735,689, plus strand): 5'-TCTCCTCCCAGACAGTTCTCGTTCACACAACAGAGACAGCTCGTCTTAGATATTTCATGG[A>G]GTTGTTGCTTGAGAAAGGAAAACCTCTAATGCTAGTAGGAAATGCAGGAGTGGGAAAAAC-3'
Protein context (NP_001264044.1, residues 2487-2507): TETARLRYFM[Glu2497Gly]LLLEKGKPLM